The following is an entry in ClinVar:

NM_000228.3(LAMB3):c.1324dup (p.Met442fs)

Gene: LAMB3 (laminin subunit beta 3; minus strand). Cytogenetic location: 1q32.2.
Variant type: Duplication.
Coding change: c.1324dup on transcript NM_000228.3 (MANE Select); coding-DNA position 1324, one base duplicated (A; older notation c.1324dupA).
Protein change: p.Met442fs; shifts the reading frame from methionine 442.
Molecular consequence: frameshift variant.
Genome position (GRCh38, 1-based): chr1:209,627,544, T duplicated on the plus strand (A on the coding strand, the reverse complement: LAMB3 is on the minus strand). VCF-style (leftmost placement, unchanged base first): chr1-209627543-A-AT. GRCh37 (hg19) VCF-style: chr1-209800888-A-AT.
Other names: c.1324dup, p.Met442fs (NM_001017402.2, NM_001127641.1); short protein forms M442fs.
Identifiers: ClinVar variation 5011895 (VCV005011895.1).

ClinVar aggregate classification (germline): Pathogenic (1 of 4 stars; one submission).

Conditions:
Junctional epidermolysis bullosa. Identifiers: Orphanet 305, MedGen C0079301, MONDO:0017612.

Submission:

Myriad Genetics, Inc.
Classification: Pathogenic for Junctional epidermolysis bullosa. Last evaluated: 2023-09-27. Review status: criteria provided, single submitter. Criteria: Myriad Autosomal Dominant, Autosomal Recessive and X-Linked Classification Criteria (2023). Collection method: clinical testing. Allele origin: unknown.
Comment: NM_000228.2(LAMB3):c.1324dupA(M442Nfs*4) is expected to be pathogenic in the context of junctional epidermolysis bullosa, LAMB3-related. This variant is predicted to lead to an abnormal or absent protein product due to the creation of a premature termination codon in LAMB3, a gene where loss-of-function variants are known to be pathogenic. Please note: this variant was assessed in the context of healthy population screening.